The following is an entry in ClinVar:

NM_024422.6(DSC2):c.1284G>A (p.Lys428=)

Gene: DSC2 (desmocollin 2; minus strand). Cytogenetic location: 18q12.1.
Variant type: single nucleotide variant.
Coding change: c.1284G>A on transcript NM_024422.6 (MANE Select); coding-DNA position 1284, G replaced by A.
Protein change: p.Lys428=; no amino-acid change (lysine 428 retained).
Molecular consequence: synonymous variant.
Genome position (GRCh38, 1-based): chr18:31,080,332, C>T on the plus strand (G>A on the coding strand, the complement: DSC2 is on the minus strand). VCF-style: chr18-31080332-C-T. GRCh37 (hg19) VCF-style: chr18-28660298-C-T.
Other names: c.1284G>A, p.Lys428= (NM_004949.5).
Identifiers: ClinVar variation 925702 (VCV000925702.11), dbSNP rs1987176408, ClinGen allele CA503387178.

ClinVar aggregate classification (germline): Likely benign. Review status: criteria provided, multiple submitters, no conflicts (2 of 4 stars). 3 submissions from 3 submitters: Likely benign (3). Last evaluated 2023-11-20.

Conditions:
Cardiomyopathy (CMYO). Also called: Cardiomyopathies. Identifiers: Orphanet 167848, MedGen C0878544, MONDO:0004994, HP:0001638. Inheritance: Various modes of inheritance.
Familial isolated arrhythmogenic right ventricular dysplasia. Identifiers: Orphanet 217656, MedGen C4274968, MONDO:0016342.
Arrhythmogenic right ventricular dysplasia 11. Also called: ARRHYTHMOGENIC RIGHT VENTRICULAR DYSPLASIA, FAMILIAL, 11; Arrhythmogenic Right Ventricular Dysplasia/Cardiomyopathy11; Arrhythmogenic right ventricular dysplasia 11 with mild palmoplantar keratoderma and woolly hair. Identifiers: MedGen C1864850, MONDO:0012506, OMIM 610476.

Allele frequency attached by ClinVar (database versions not stated): gnomAD exomes below 0.00001.
gnomAD v4.1: 6 of 1,613,886 alleles (0.00037%); highest among the groups gnomAD compares: Non-Finnish European, 0.00051%; no homozygotes.

Submissions (3):

All of Us Research Program, National Institutes of Health
Classification: Likely benign for Familial isolated arrhythmogenic right ventricular dysplasia. Last evaluated: 2023-11-20. Review status: criteria provided, single submitter. Criteria: ACMG Guidelines, 2015. Collection method: clinical testing. Allele origin: germline. Inheritance: Autosomal dominant inheritance. Observed: 3 variant alleles, 3 heterozygotes.
Comment: This study involves interpretation of variants in research participants for the purpose of population health screening. Participant phenotype was not available at the time of variant classification. Additional details can be found in publication PMID: 35346344, PMCID: PMC8962531

Labcorp Genetics (formerly Invitae), Labcorp
Classification: Likely benign for Arrhythmogenic right ventricular dysplasia 11. Last evaluated: 2023-03-20. Review status: criteria provided, single submitter. Criteria: Invitae Variant Classification Sherloc (09022015). Collection method: clinical testing. Allele origin: germline.

Color Diagnostics, LLC DBA Color Health
Classification: Likely benign for Cardiomyopathy. Last evaluated: 2019-10-07. Review status: criteria provided, single submitter. Criteria: ACMG Guidelines, 2015. Collection method: clinical testing. Allele origin: germline.